The following is an entry in ClinVar:

NM_153006.3(NAGS):c.427-222G>A

Gene: NAGS (N-acetylglutamate synthase; plus strand). Cytogenetic location: 17q21.31.
Variant type: single nucleotide variant.
Coding change: c.427-222G>A on transcript NM_153006.3 (MANE Select); 222 bases into the intron before coding-DNA position 427, G replaced by A.
Molecular consequence: intron variant.
Genome position (GRCh38, 1-based): chr17:44,005,415, G>A. VCF-style: chr17-44005415-G-A. GRCh37 (hg19) VCF-style: chr17-42082783-G-A.
Identifiers: ClinVar variation 1177298 (VCV001177298.9), dbSNP rs2049072767, ClinGen allele CA983968730.

ClinVar aggregate classification (germline): Conflicting classifications of pathogenicity. Review status: criteria provided, conflicting classifications (1 of 4 stars). 3 submissions from 3 submitters: Uncertain significance (1); Likely benign (1). 1 of the submissions does not count toward it. Last evaluated 2025-01-09.

Conditions:
Hyperammonemia, type III (NAGSD). Also called: Hyperammonemia due to N-acetylglutamate synthase deficiency. Identifiers: Orphanet 927, MedGen C0268543, MONDO:0009377, OMIM 237310.

Allele frequency attached by ClinVar (database versions not stated): TOPMed below 0.00001; gnomAD 0.00001.
gnomAD v4.1: 1 of 152,234 alleles (0.00066%); highest among the groups gnomAD compares: Non-Finnish European, 0.0015%; no homozygotes.

Submissions (3):

Women's Health and Genetics/Laboratory Corporation of America, LabCorp
Classification: Uncertain significance. Last evaluated: 2025-01-09. Review status: criteria provided, single submitter. Criteria: LabCorp Variant Classification Summary - May 2015. Collection method: clinical testing. Allele origin: germline.
Comment: Variant summary: NAGS c.427-222G>A is located at a position not widely known to affect splicing. Consensus agreement among computation tools predict no significant impact on normal splicing. However, these predictions have yet to be confirmed by functional studies. The variant allele was found at a frequency of 6.6e-06 in 152234 control chromosomes (gnomAD). The available data on variant occurrences in the general population are insufficient to allow any conclusion about variant significance. c.427-222G>A has been reported in the literature in at least one individual affected with Hyperammonemia, type III (e.g. Haberle_2021). This report does not provide unequivocal conclusions about association of the variant with Hyperammonemia, type III. At least one publication reports experimental evidence that this variant results in reduced expression in reporter gene assays, exhibiting approximately 60% of the WT sequence (e.g. Haberle_2021). The following publication has been ascertained in the context of this evaluation (PMID: 34510628). ClinVar contains an entry for this variant (Variation ID: 1177298). Based on the evidence outlined above, the variant was classified as VUS-possibly benign.

Labcorp Genetics (formerly Invitae), Labcorp
Classification: Likely benign for Hyperammonemia, type III. Last evaluated: 2024-07-01. Review status: criteria provided, single submitter. Criteria: Invitae Variant Classification Sherloc (09022015). Collection method: clinical testing. Allele origin: germline.

Caldovic Lab, Children's National Health System
Classification: Likely pathogenic for Hyperammonemia, type III. Last evaluated: 2021-06-16. Review status: no assertion criteria provided. Collection method: research. Allele origin: germline. Inheritance: Autosomal recessive inheritance. Affected: yes. Observed: 1 variant allele, 1 compound heterozygote. Not counted in ClinVar's aggregate classification.
Comment: The c.427-222G>A variant alters conserved bp in conserved regulatory element in the first intron of the NAGS gene. The variant resides in RXRalpha binding site. In silico tool CADD predicted deleterious effect of this variant while MutationTaster2 predicted that this variant is disease causing. The variant is absent from the gnomAD v2.1.1. control population dataset. Functional testing using reporter gene assays in HepG2 and HuH-7 cells indicated that c.427-222G>A variant can decrease NAGS gene expression. The variant is classified as likely pathogenic.

Literature cited by the submitters: PubMed 34510628 (cited by Women's Health and Genetics/Laboratory Corporation of America, LabCorp).